The following is an entry in ClinVar:

NM_000083.3(CLCN1):c.1282_1285del (p.Phe428fs)

Gene: CLCN1 (chloride voltage-gated channel 1; plus strand). Cytogenetic location: 7q34.
Variant type: Microsatellite.
Coding change: c.1282_1285del on transcript NM_000083.3 (MANE Select); coding-DNA positions 1282 to 1285, 4 bases deleted (TTTG; older notation c.1282_1285delTTTG).
Protein change: p.Phe428fs; shifts the reading frame from phenylalanine 428.
Molecular consequence: frameshift variant.
Genome position (GRCh38, 1-based): chr7:143,332,754-143,332,757, TTTG deleted; deleting any 4 consecutive bases within chr7:143,332,750-143,332,757 gives the same sequence; the c. name uses the placement nearest the transcript's 3' end. VCF-style (leftmost placement, unchanged base first): chr7-143332749-CTTTG-C. GRCh37 (hg19) VCF-style: chr7-143029842-CTTTG-C.
Other names: short protein forms F428fs.
Identifiers: ClinVar variation 623350 (VCV000623350.11), dbSNP rs752041565, ClinGen allele CA4537313.
Genomic context (GRCh38, chr7:143,332,749, plus strand): 5'-GGAGAACCCACCCTTTCTGCTTCTTCCTCTCCCAGTTGATGCCCCGCGAAGCCATCAGTA[CTTTG>C]TTTGACAACAATACATGGGTGAAACACGCGGGTGATCCTGAGAGCCTGGGCCAGTCAGCT-3'

ClinVar aggregate classification (germline): Pathogenic. Review status: criteria provided, multiple submitters, no conflicts (2 of 4 stars). 4 submissions from 4 submitters: Pathogenic (4). Last evaluated 2025-09-28.

Conditions:
Congenital myotonia, autosomal dominant form (THD). Also called: THOMSEN DISEASE; Myotonia congenita autosomal dominant. Identifiers: Orphanet 614, MedGen C2936781, MONDO:0008055, OMIM 160800.
Congenital myotonia, autosomal recessive form. Also called: BECKER DISEASE; Becker Generalized Myotonia; myotonia congenita, autosomal recessive. Identifiers: Orphanet 614, MedGen C0751360, MONDO:0009715, OMIM 255700.

Submissions (4):

Labcorp Genetics (formerly Invitae), Labcorp
Classification: Pathogenic for Congenital myotonia, autosomal recessive form; Congenital myotonia, autosomal dominant form. Last evaluated: 2025-09-28. Review status: criteria provided, single submitter. Criteria: Invitae Variant Classification Sherloc (09022015). Collection method: clinical testing. Allele origin: germline.
Comment: This sequence change creates a premature translational stop signal (p.Phe428Thrfs*6) in the CLCN1 gene. It is expected to result in an absent or disrupted protein product. Loss-of-function variants in CLCN1 are known to be pathogenic (PMID: 17932099, 22094069, 23739125). This variant is present in population databases (rs752041565, gnomAD 0.006%). This premature translational stop signal has been observed in individual(s) with autosomal recessive myotonia congenita (PMID: 7981681). ClinVar contains an entry for this variant (Variation ID: 623350). For these reasons, this variant has been classified as Pathogenic.

GeneDx
Classification: Pathogenic. Last evaluated: 2025-06-04. Review status: criteria provided, single submitter. Criteria: GeneDx Variant Classification Process June 2021. Collection method: clinical testing. Allele origin: germline. Affected: yes.
Comment: Frameshift variant predicted to result in protein truncation or nonsense mediated decay in a gene for which loss of function is a known mechanism of disease; Not observed at significant frequency in large population cohorts (gnomAD); Observed in the compound heterozygous state in an individual with Becker disease (PMID: 38855810); This variant is associated with the following publications: (PMID: 7981681, 34426522, 38855810)

Laboratory of Medical Genetics, National & Kapodistrian University of Athens
Classification: Pathogenic for Congenital myotonia, autosomal recessive form. Last evaluated: 2024-02-20. Review status: criteria provided, single submitter. Criteria: ACMG Guidelines, 2015. Collection method: clinical testing. Allele origin: germline. Affected: yes.

Department of Genetics, Sultan Qaboos University Hospital
Classification: Pathogenic for Congenital myotonia, autosomal recessive form. Last evaluated: 2017-12-30. Review status: criteria provided, single submitter. Criteria: ACMG Guidelines, 2015. Collection method: curation. Allele origin: unknown. Affected: yes.

Literature cited by the submitters: PubMed 17932099 (cited by Labcorp Genetics (formerly Invitae), Labcorp); PubMed 22094069 (cited by Labcorp Genetics (formerly Invitae), Labcorp); PubMed 23739125 (cited by Labcorp Genetics (formerly Invitae), Labcorp); PubMed 7981681 (cited by Labcorp Genetics (formerly Invitae), Labcorp).